The following is an entry in ClinVar:

ClinVar aggregate classification (germline): Likely benign (1 of 4 stars; one submission).

Conditions:
Neuroblastoma (NB). Identifiers: Orphanet 635, MedGen C0027819, MeSH D009447, MONDO:0005072, HP:0003006.

Allele frequency attached by ClinVar (database versions not stated): TOPMed 0.00050; gnomAD 0.00058 and 0.00059; 1000 Genomes Project 0.00060; gnomAD exomes 0.00065; 1000 Genomes Project 30x 0.00094.
gnomAD v4.1: 111 of 183,940 alleles (0.06%); highest among the groups gnomAD compares: Non-Finnish European, 0.093%; no homozygotes.

Submission:

Illumina Laboratory Services, Illumina
Classification: Likely benign for Neuroblastoma. Last evaluated: 2018-01-13. Review status: criteria provided, single submitter. Criteria: ICSL Variant Classification Criteria 13 December 2019. Collection method: clinical testing. Allele origin: germline.
Comment: This variant was observed in the ICSL laboratory as part of a predisposition screen in an ostensibly healthy population. It had not been previously curated by ICSL or reported in the Human Gene Mutation Database (HGMD: prior to June 1st, 2018), and was therefore a candidate for classification through an automated scoring system. Utilizing variant allele frequency, disease prevalence and penetrance estimates, and inheritance mode, an automated score was calculated to assess if this variant is too frequent to cause the disease. Based on the score and internal cut-off values, a variant classified as likely benign is not then subjected to further curation. The score for this variant resulted in a classification of likely benign for this disease.

NM_001365951.3(KIF1B):c.*1238G>A

Gene: KIF1B (kinesin family member 1B; plus strand). Cytogenetic location: 1p36.22.
Variant type: single nucleotide variant.
Coding change: c.*1238G>A on transcript NM_001365951.3 (MANE Select); 1238 bases downstream of the stop codon, G replaced by A.
Molecular consequence: 3 prime UTR variant.
Genome position (GRCh38, 1-based): chr1:10,377,825, G>A. VCF-style: chr1-10377825-G-A. GRCh37 (hg19) VCF-style: chr1-10437883-G-A.
Other names: c.*1238G>A (NM_001365952.1, NM_015074.3).
Identifiers: ClinVar variation 876182 (VCV000876182.4), dbSNP rs539372635, ClinGen allele CA17858450.